The following is an entry in ClinVar:

NM_003737.4(DCHS1):c.590C>G (p.Pro197Arg)

Gene: DCHS1 (dachsous cadherin-related 1; minus strand). Cytogenetic location: 11p15.4.
Variant type: single nucleotide variant.
Coding change: c.590C>G on transcript NM_003737.4 (MANE Select); coding-DNA position 590, C replaced by G.
Protein change: p.Pro197Arg; replaces proline 197 with arginine.
Molecular consequence: missense variant.
Genome position (GRCh38, 1-based): chr11:6,641,024, G>C on the plus strand (C>G on the coding strand, the complement: DCHS1 is on the minus strand). VCF-style: chr11-6641024-G-C. GRCh37 (hg19) VCF-style: chr11-6662255-G-C.
Other names: short protein forms P197R.
Identifiers: ClinVar variation 4800385 (VCV004800385.1).
Genomic context (GRCh38, chr11:6,641,024, plus strand): 5'-TTCTCTCGGTCCAGTTCCCCAGTAACTACCAGCTCAGGTACTGGAGTCCCATCTGGACCG[G>C]GGCGTGTCTCCAGCCGGAAGGTCTCTCCAGCCCCATCACCAGATAGCGCATAGCCCTGGG-3'
Protein context (NP_003728.1, residues 187-207): AGETFRLETR[Pro197Arg]GPDGTPVPEL

ClinVar aggregate classification (germline): Uncertain significance (1 of 4 stars; one submission).

gnomAD v4.1: 3 of 1,613,978 alleles (0.00019%); highest among the groups gnomAD compares: Non-Finnish European, 0.00017%; no homozygotes.

Submission:

Labcorp Genetics (formerly Invitae), Labcorp
Classification: Uncertain significance. Last evaluated: 2025-06-27. Review status: criteria provided, single submitter. Criteria: Invitae Variant Classification Sherloc (09022015). Collection method: clinical testing. Allele origin: germline.
Comment: This sequence change replaces proline, which is neutral and non-polar, with arginine, which is basic and polar, at codon 197 of the DCHS1 protein (p.Pro197Arg). This variant is present in population databases (no rsID available, gnomAD 0.004%). This variant has not been reported in the literature in individuals affected with DCHS1-related conditions. Invitae Evidence Modeling of protein sequence and biophysical properties (such as structural, functional, and spatial information, amino acid conservation, physicochemical variation, residue mobility, and thermodynamic stability) indicates that this missense variant is not expected to disrupt DCHS1 protein function with a negative predictive value of 95%. In summary, the available evidence is currently insufficient to determine the role of this variant in disease. Therefore, it has been classified as a Variant of Uncertain Significance.